The following is an entry in ClinVar:

NM_000321.3(RB1):c.1632A>G (p.Arg544=)

Gene: RB1 (RB transcriptional corepressor 1; plus strand). Cytogenetic location: 13q14.2.
Variant type: single nucleotide variant.
Coding change: c.1632A>G on transcript NM_000321.3 (MANE Select); coding-DNA position 1632, A replaced by G.
Protein change: p.Arg544=; no amino-acid change (arginine 544 retained).
Molecular consequence: synonymous variant.
Genome position (GRCh38, 1-based): chr13:48,381,380, A>G. VCF-style: chr13-48381380-A-G. GRCh37 (hg19) VCF-style: chr13-48955516-A-G.
Identifiers: ClinVar variation 416489 (VCV000416489.27), dbSNP rs143948310, ClinGen allele CA029191.

ClinVar aggregate classification (germline): Benign/Likely benign. Review status: criteria provided, multiple submitters, no conflicts (2 of 4 stars). 11 submissions from 11 submitters: Benign (7); Likely benign (3). 1 of the submissions does not count toward it. Last evaluated 2026-06-24.

Conditions:
RB1-related disorder. Also called: RB1-related condition.
Hereditary cancer-predisposing syndrome. Also called: Tumor predisposition; Hereditary neoplastic syndrome; Hereditary Cancer Syndrome; Neoplastic Syndromes, Hereditary. Identifiers: Orphanet 140162, MedGen C0027672, MeSH D009386, MONDO:0015356.
Retinoblastoma (RB1). Also called: RETINOBLASTOMA, SOMATIC. Identifiers: Orphanet 790, MedGen C0035335, MeSH D012175, MONDO:0008380, OMIM 180200, HP:0009919. Disease mechanism: loss of function. Inheritance: Both sporadic and heritable forms are tested..

Allele frequency attached by ClinVar (database versions not stated): gnomAD 0.00223 and 0.00245; ESP Exome Variant Server 0.00261; 1000 Genomes Project 30x 0.00187; 1000 Genomes Project 0.00200; TOPMed 0.00211.
gnomAD v4.1: 640 of 1,612,810 alleles (0.04%); highest among the groups gnomAD compares: African/African-American, 0.77%; no homozygotes.

Submissions (11):

Myriad Genetics, Inc.
Classification: Benign for Retinoblastoma. Last evaluated: 2026-06-24. Review status: criteria provided, single submitter. Criteria: Myriad Autosomal Dominant, Autosomal Recessive and X-Linked Classification Criteria (2023). Collection method: clinical testing. Allele origin: unknown.
Comment: This variant is considered benign. This variant is a silent/synonymous amino acid change and it is not expected to impact splicing.

Labcorp Genetics (formerly Invitae), Labcorp
Classification: Benign for Retinoblastoma. Last evaluated: 2026-02-03. Review status: criteria provided, single submitter. Criteria: Invitae Variant Classification Sherloc (09022015). Collection method: clinical testing. Allele origin: germline.

CeGaT Center for Human Genetics Tuebingen
Classification: Benign. Last evaluated: 2026-01-01. Review status: criteria provided, single submitter. Criteria: CeGaT Center For Human Genetics Tuebingen Variant Classification Criteria Version 2. Collection method: clinical testing. Allele origin: germline. Affected: yes. Observed: 1 variant allele.
Comment: RB1: BP4, BS1, BS2

KCCC/NGS Laboratory, Kuwait Cancer Control Center
Classification: Benign for Retinoblastoma. Last evaluated: 2025-02-01. Review status: criteria provided, single submitter. Criteria: ACMG Guidelines, 2015. Collection method: clinical testing. Allele origin: germline. Affected: no.

Blueprint Genetics
Classification: Likely benign. Last evaluated: 2024-11-19. Review status: criteria provided, single submitter. Criteria: ACMG Guidelines, 2015. Collection method: clinical testing. Allele origin: germline.

All of Us Research Program, National Institutes of Health
Classification: Benign for Retinoblastoma. Last evaluated: 2024-02-05. Review status: criteria provided, single submitter. Criteria: ACMG Guidelines, 2015. Collection method: clinical testing. Allele origin: germline. Inheritance: Autosomal dominant inheritance. Observed: 126 variant alleles, 126 heterozygotes.
Comment: This study involves interpretation of variants in research participants for the purpose of population health screening. Participant phenotype was not available at the time of variant classification. Additional details can be found in publication PMID: 35346344, PMCID: PMC8962531

Color Diagnostics, LLC DBA Color Health
Classification: Benign for Retinoblastoma. Last evaluated: 2022-04-29. Review status: criteria provided, single submitter. Criteria: ACMG Guidelines, 2015. Collection method: clinical testing. Allele origin: germline.

GeneDx
Classification: Likely benign. Last evaluated: 2021-03-31. Review status: criteria provided, single submitter. Criteria: GeneDx Variant Classification Process June 2021. Collection method: clinical testing. Allele origin: germline. Affected: yes.

Sema4
Classification: Benign for Hereditary cancer-predisposing syndrome. Last evaluated: 2020-12-08. Review status: criteria provided, single submitter. Criteria: Sema4 Curation Guidelines. Collection method: curation. Allele origin: germline.

Ambry Genetics
Classification: Likely benign for Hereditary cancer-predisposing syndrome. Last evaluated: 2016-11-30. Review status: criteria provided, single submitter. Criteria: Ambry Variant Classification Scheme 2023. Collection method: clinical testing. Allele origin: germline.

PreventionGenetics, part of Exact Sciences
Classification: Benign for RB1-related condition. Last evaluated: 2022-08-08. Review status: no assertion criteria provided. Collection method: clinical testing. Allele origin: germline. Not counted in ClinVar's aggregate classification.
Comment: This variant is classified as benign based on ACMG/AMP sequence variant interpretation guidelines (Richards et al. 2015 PMID: 25741868, with internal and published modifications).